The following is an entry in ClinVar:

ClinVar aggregate classification (germline): Pathogenic (1 of 4 stars; one submission).

Conditions:
Familial meningioma. Also called: Meningioma, familial, susceptibility to. Identifiers: Orphanet 263662, MedGen C3551915, MONDO:0011789, OMIM 607174.

Submission:

Labcorp Genetics (formerly Invitae), Labcorp
Classification: Pathogenic for Familial meningioma. Last evaluated: 2021-08-06. Review status: criteria provided, single submitter. Criteria: Invitae Variant Classification Sherloc (09022015). Collection method: clinical testing. Allele origin: germline.
Comment: This sequence change creates a premature translational stop signal (p.Gln230*) in the SMARCE1 gene. It is expected to result in an absent or disrupted protein product. Loss-of-function variants in SMARCE1 are known to be pathogenic (PMID: 23377182). For these reasons, this variant has been classified as Pathogenic. Algorithms developed to predict the effect of sequence changes on RNA splicing suggest that this variant may create or strengthen a splice site. This variant has not been reported in the literature in individuals affected with SMARCE1-related conditions. This variant is not present in population databases (ExAC no frequency).

Literature cited by the submitters: PubMed 23377182.

NM_003079.5(SMARCE1):c.688C>T (p.Gln230Ter)

Gene: SMARCE1 (SWI/SNF related BAF chromatin remodeling complex subunit E1; minus strand). Cytogenetic location: 17q21.2.
Variant type: single nucleotide variant.
Coding change: c.688C>T on transcript NM_003079.5 (MANE Select); coding-DNA position 688, C replaced by T.
Protein change: p.Gln230Ter; replaces glutamine 230 with a stop codon.
Molecular consequence: nonsense.
Genome position (GRCh38, 1-based): chr17:40,632,221, G>A on the plus strand (C>T on the coding strand, the complement: SMARCE1 is on the minus strand). VCF-style: chr17-40632221-G-A. GRCh37 (hg19) VCF-style: chr17-38788473-G-A.
Other names: short protein forms Q230*.
Identifiers: ClinVar variation 1435484 (VCV001435484.6), dbSNP rs2143988272, ClinGen allele CA399364590.